The following is an entry in ClinVar:

ClinVar aggregate classification (germline): Likely benign. Review status: criteria provided, multiple submitters, no conflicts (2 of 4 stars). 3 submissions from 3 submitters: Likely benign (2). 1 of the submissions does not count toward it. Last evaluated 2025-10-10.

Conditions:
PRICKLE1-related disorder. Also called: PRICKLE1-related condition; PRICKLE1-Related Disorders. Identifiers: MedGen CN381536.
Epilepsy, progressive myoclonic, 1B. Also called: PME. Identifiers: Orphanet 308, MedGen C2676254, MONDO:0012904, OMIM 612437.

Allele frequency attached by ClinVar (database versions not stated): ExAC 0.00007; gnomAD exomes 0.00008 and 0.00014; TOPMed 0.00008; gnomAD 0.00012 and 0.00013; ESP Exome Variant Server 0.00023.
gnomAD v4.1: 219 of 1,614,016 alleles (0.014%); highest among the groups gnomAD compares: Non-Finnish European, 0.018%; no homozygotes.

Submissions (3):

Labcorp Genetics (formerly Invitae), Labcorp
Classification: Likely benign for Epilepsy, progressive myoclonic, 1B. Last evaluated: 2025-10-10. Review status: criteria provided, single submitter. Criteria: Invitae Variant Classification Sherloc (09022015). Collection method: clinical testing. Allele origin: germline.

GeneDx
Classification: Likely benign. Last evaluated: 2016-02-05. Review status: criteria provided, single submitter. Criteria: GeneDx Variant Classification (06012015). Collection method: clinical testing. Allele origin: germline. Affected: yes.
Comment: This variant is considered likely benign or benign based on one or more of the following criteria: it is a conservative change, it occurs at a poorly conserved position in the protein, it is predicted to be benign by multiple in silico algorithms, and/or has population frequency not consistent with disease.

PreventionGenetics, part of Exact Sciences
Classification: Likely benign for PRICKLE1-related condition. Last evaluated: 2019-07-12. Review status: no assertion criteria provided. Collection method: clinical testing. Allele origin: germline. Not counted in ClinVar's aggregate classification.
Comment: This variant is classified as likely benign based on ACMG/AMP sequence variant interpretation guidelines (Richards et al. 2015 PMID: 25741868, with internal and published modifications).

NM_153026.3(PRICKLE1):c.60C>A (p.Ser20=)

Gene: PRICKLE1 (prickle planar cell polarity protein 1; minus strand). Cytogenetic location: 12q12.
Variant type: single nucleotide variant.
Coding change: c.60C>A on transcript NM_153026.3 (MANE Select); coding-DNA position 60, C replaced by A.
Protein change: p.Ser20=; no amino-acid change (serine 20 retained).
Molecular consequence: synonymous variant.
Genome position (GRCh38, 1-based): chr12:42,472,457, G>T on the plus strand (C>A on the coding strand, the complement: PRICKLE1 is on the minus strand). VCF-style: chr12-42472457-G-T. GRCh37 (hg19) VCF-style: chr12-42866259-G-T.
Other names: c.60C>A, p.Ser20= (NM_001144881.2, NM_001144882.2, NM_001144883.2).
Identifiers: ClinVar variation 378421 (VCV000378421.13), dbSNP rs370960593, ClinGen allele CA6520001.